The following is an entry in ClinVar:

NM_012338.4(TSPAN12):c.295del (p.Ser99fs)

Gene: TSPAN12 (tetraspanin 12; minus strand). Cytogenetic location: 7q31.31.
Variant type: Deletion.
Coding change: c.295del on transcript NM_012338.4 (MANE Select); coding-DNA position 295, one base deleted (A; older notation c.295delA).
Protein change: p.Ser99fs; shifts the reading frame from serine 99.
Molecular consequence: frameshift variant.
Genome position (GRCh38, 1-based): chr7:120,815,794, T deleted on the plus strand (A on the coding strand, the reverse complement: TSPAN12 is on the minus strand); the first of 2 consecutive T bases (chr7:120,815,794-120,815,795); deleting either gives the same sequence. VCF-style (leftmost placement, unchanged base first): chr7-120815793-CT-C. GRCh37 (hg19) VCF-style: chr7-120455847-CT-C.
Other names: short protein forms S99fs.
Identifiers: ClinVar variation 2836747 (VCV002836747.3), dbSNP rs2485363065, ClinGen allele CA2579001865.

ClinVar aggregate classification (germline): Pathogenic (1 of 4 stars; one submission).

Submission:

Labcorp Genetics (formerly Invitae), Labcorp
Classification: Pathogenic. Last evaluated: 2025-01-15. Review status: criteria provided, single submitter. Criteria: Invitae Variant Classification Sherloc (09022015). Collection method: clinical testing. Allele origin: germline.
Comment: This sequence change creates a premature translational stop signal (p.Ser99Valfs*8) in the TSPAN12 gene. It is expected to result in an absent or disrupted protein product. Loss-of-function variants in TSPAN12 are known to be pathogenic (PMID: 20159112, 21334594). This variant is not present in population databases (gnomAD no frequency). This variant has not been reported in the literature in individuals affected with TSPAN12-related conditions. ClinVar contains an entry for this variant (Variation ID: 2836747). For these reasons, this variant has been classified as Pathogenic.

Literature cited by the submitters: PubMed 20159112; PubMed 21334594.